The following is an entry in ClinVar:

NM_000393.5(COL5A2):c.3713G>A (p.Gly1238Glu)

Gene: COL5A2 (collagen type V alpha 2 chain; minus strand). Cytogenetic location: 2q32.2.
Variant type: single nucleotide variant.
Coding change: c.3713G>A on transcript NM_000393.5 (MANE Select); coding-DNA position 3713, G replaced by A.
Protein change: p.Gly1238Glu; replaces glycine 1238 with glutamic acid.
Molecular consequence: missense variant.
Genome position (GRCh38, 1-based): chr2:189,039,484, C>T on the plus strand (G>A on the coding strand, the complement: COL5A2 is on the minus strand). VCF-style: chr2-189039484-C-T. GRCh37 (hg19) VCF-style: chr2-189904210-C-T.
Other names: short protein forms G1238E.
Identifiers: ClinVar variation 1305577 (VCV001305577.2), dbSNP rs2153506528, ClinGen allele CA349857965.

ClinVar aggregate classification (germline): Uncertain significance (1 of 4 stars; one submission).

gnomAD v4.1: 1 of 1,614,020 alleles (0.000062%); highest among the groups gnomAD compares: Non-Finnish European, 0.000085%; no homozygotes.

Submission:

GeneDx
Classification: Uncertain significance. Last evaluated: 2019-04-30. Review status: criteria provided, single submitter. Criteria: GeneDx Variant Classification Process June 2021. Collection method: clinical testing. Allele origin: germline. Affected: yes.
Comment: Has not been previously published as pathogenic or benign to our knowledge; Not observed in large population cohorts (Lek et al., 2016); In silico analysis, which includes protein predictors and evolutionary conservation, supports a deleterious effect; Although this affects a glycine residue, it is not located in the triple helical region, where the majority of pathogenic missense variants occur (Symoens et al., 2012; Stenson et al., 2014).